The following is an entry in ClinVar:

NM_002693.3(POLG):c.2427-16T>C

Gene: POLG (DNA polymerase gamma, catalytic subunit; minus strand). Cytogenetic location: 15q26.1.
Variant type: single nucleotide variant.
Coding change: c.2427-16T>C on transcript NM_002693.3 (MANE Select); 16 bases into the intron before coding-DNA position 2427, T replaced by C.
Molecular consequence: intron variant.
Genome position (GRCh38, 1-based): chr15:89,322,031, A>G on the plus strand (T>C on the coding strand, the complement: POLG is on the minus strand). VCF-style: chr15-89322031-A-G. GRCh37 (hg19) VCF-style: chr15-89865262-A-G.
Other names: c.2427-16T>C (NM_001126131.2).
Identifiers: ClinVar variation 619364 (VCV000619364.10), dbSNP rs769407407, ClinGen allele CA7724477.
Genomic context (GRCh38, chr15:89,322,031, plus strand): 5'-GCACGGGGCAGAGCTGACCTGGGCAGCCACACCACCATCTGGGAGCTGTGGGGACAGACA[A>G]CGTGAGGCTCAGCACAGCCATGGGAAGCAGAATCTATCCCACATCCCACCATGGCCCTCA-3'

ClinVar aggregate classification (germline): Likely benign. Review status: criteria provided, multiple submitters, no conflicts (2 of 4 stars). 3 submissions from 3 submitters: Likely benign (3). Last evaluated 2025-05-07.

Conditions:
Progressive sclerosing poliodystrophy (MTDPS4A). Also called: Alpers Syndrome; Mitochondrial DNA depletion syndrome 4A (Alpers type); Mitochondrial DNA Depletion Syndrome 4A; Alpers-Huttenlocher Syndrome (AHS); ALPERS PROGRESSIVE INFANTILE POLIODYSTROPHY; ALPERS DIFFUSE DEGENERATION OF CEREBRAL GRAY MATTER WITH HEPATIC CIRRHOSIS. Identifiers: Orphanet 726, MedGen C0205710, MONDO:0008758, OMIM 203700.

Allele frequency attached by ClinVar (database versions not stated): gnomAD exomes below 0.00001; gnomAD 0.00001; TOPMed 0.00001; ExAC 0.00002.

Submissions (3):

Labcorp Genetics (formerly Invitae), Labcorp
Classification: Likely benign for Progressive sclerosing poliodystrophy. Last evaluated: 2025-05-07. Review status: criteria provided, single submitter. Criteria: Invitae Variant Classification Sherloc (09022015). Collection method: clinical testing. Allele origin: germline.

Blueprint Genetics
Classification: Likely benign. Last evaluated: 2024-06-06. Review status: criteria provided, single submitter. Criteria: ACMG Guidelines, 2015. Collection method: clinical testing. Allele origin: germline.

Wong Mito Lab, Molecular and Human Genetics, Baylor College of Medicine
Classification: Likely benign for Progressive sclerosing poliodystrophy. Last evaluated: 2018-10-01. Review status: criteria provided, single submitter. Criteria: ACMG Guidelines, 2015. Collection method: clinical testing. Allele origin: germline.
Comment: The NM_002693.2:c.2427-16T>C (NP_002684.1:p.=) [GRCH38: NC_000015.10:g.89322031A>G] variant in POLG gene is interpretated to be a Likely Benign based on ACMG guidelines (PMID: 25741868). This variant meets the following evidence codes reported in the ACMG-guideline. BP4:Computational evidence/predictors indicate no impact on the POLG structure, function, or protein-protein interaction. BP6:Reputable source(s) without shared data suggest the variant is benign. Based on the evidence criteria codes applied, the variant is suggested to be Likely Benign.